The following is an entry in ClinVar:

NM_000548.5(TSC2):c.1444-3C>T

Gene: TSC2 (TSC complex subunit 2; plus strand). Cytogenetic location: 16p13.3.
Variant type: single nucleotide variant.
Coding change: c.1444-3C>T on transcript NM_000548.5 (MANE Select); 3 bases into the intron before coding-DNA position 1444, C replaced by T.
Molecular consequence: intron variant.
Genome position (GRCh38, 1-based): chr16:2,064,269, C>T. VCF-style: chr16-2064269-C-T. GRCh37 (hg19) VCF-style: chr16-2114270-C-T.
Other names: c.1333-3C>T (NM_001318827.2); c.844-3C>T (NM_001318831.2); c.1297-3C>T (NM_001318829.2); c.1477-3C>T (NM_001318832.2); c.1444-3C>T (NM_000548.3, NM_001114382.3, NM_021055.3 and 4 more transcripts).
Identifiers: ClinVar variation 1399112 (VCV001399112.7), dbSNP rs1484617931, ClinGen allele CA620704841.
Genomic context (GRCh38, chr16:2,064,269, plus strand): 5'-AAGTGTCACGAGATGTGGCCCTCGTTGGGCTGGCGCTCATTGGCCTCCCTTGTGCCTGTG[C>T]AGGAGGAGCTGATTAACTCAGTGGTCATCTCGCAGCTCTCCCACATCCCCGAGGATAAAG-3'

ClinVar aggregate classification (germline): Uncertain significance. Review status: criteria provided, multiple submitters, no conflicts (2 of 4 stars). 2 submissions from 2 submitters: Uncertain significance (2). Last evaluated 2024-02-16.

Conditions:
Hereditary cancer-predisposing syndrome. Also called: Neoplastic Syndromes, Hereditary; Hereditary neoplastic syndrome; Hereditary Cancer Syndrome; Tumor predisposition. Identifiers: Orphanet 140162, MedGen C0027672, MeSH D009386, MONDO:0015356.
Tuberous sclerosis 2 (TSC2). Identifiers: Orphanet 805, MedGen C1860707, MONDO:0013199, OMIM 613254.

Submissions (2):

Ambry Genetics
Classification: Uncertain significance for Hereditary cancer-predisposing syndrome. Last evaluated: 2024-02-16. Review status: criteria provided, single submitter. Criteria: Ambry Variant Classification Scheme 2023. Collection method: clinical testing. Allele origin: germline.
Comment: The c.1444-3C>T intronic variant results from a C to T substitution 3 nucleotides upstream from coding exon 14 in the TSC2 gene. This nucleotide position is well conserved in available vertebrate species. In silico splice site analysis predicts that this alteration will not have any significant effect on splicing. Based on the available evidence, the clinical significance of this alteration remains unclear.

Labcorp Genetics (formerly Invitae), Labcorp
Classification: Uncertain significance for Tuberous sclerosis 2. Last evaluated: 2021-06-24. Review status: criteria provided, single submitter. Criteria: Invitae Variant Classification Sherloc (09022015). Collection method: clinical testing. Allele origin: germline.
Comment: In summary, the available evidence is currently insufficient to determine the role of this variant in disease. Therefore, it has been classified as a Variant of Uncertain Significance. Nucleotide substitutions within the consensus splice site are a relatively common cause of aberrant splicing (PMID: 17576681, 9536098). Algorithms developed to predict the effect of sequence changes on RNA splicing suggest that this variant is not likely to affect RNA splicing, but this prediction has not been confirmed by published transcriptional studies. This variant has not been reported in the literature in individuals with TSC2-related conditions. This variant is not present in population databases (ExAC no frequency). This sequence change falls in intron 14 of the TSC2 gene. It does not directly change the encoded amino acid sequence of the TSC2 protein. It affects a nucleotide within the consensus splice site of the intron.

Literature cited by the submitters: PubMed 17576681 (cited by Labcorp Genetics (formerly Invitae), Labcorp); PubMed 9536098 (cited by Labcorp Genetics (formerly Invitae), Labcorp).